The following is an entry in ClinVar:

NM_000416.3(IFNGR1):c.224A>G (p.Asp75Gly)

Gene: IFNGR1 (interferon gamma receptor 1; minus strand). Cytogenetic location: 6q23.3.
Variant type: single nucleotide variant.
Coding change: c.224A>G on transcript NM_000416.3 (MANE Select); coding-DNA position 224, A replaced by G.
Protein change: p.Asp75Gly; replaces aspartic acid 75 with glycine.
Molecular consequence: missense variant.
Genome position (GRCh38, 1-based): chr6:137,206,285, T>C on the plus strand (A>G on the coding strand, the complement: IFNGR1 is on the minus strand). VCF-style: chr6-137206285-T-C. GRCh37 (hg19) VCF-style: chr6-137527422-T-C.
Other names: c.194A>G, p.Asp65Gly (NM_001363526.1); c.101A>G, p.Asp34Gly (NM_001363527.1); short protein forms D34G, D65G, D75G.
Identifiers: ClinVar variation 4737333 (VCV004737333.1).

ClinVar aggregate classification (germline): Uncertain significance (1 of 4 stars; one submission).

Conditions:
Disseminated atypical mycobacterial infection. Identifiers: MedGen C0694566.

gnomAD v4.1: 1 of 1,607,430 alleles (0.000062%); highest among the groups gnomAD compares: Non-Finnish European, 0.000085%; no homozygotes.

Submission:

Labcorp Genetics (formerly Invitae), Labcorp
Classification: Uncertain significance for Disseminated atypical mycobacterial infection. Last evaluated: 2025-03-04. Review status: criteria provided, single submitter. Criteria: Invitae Variant Classification Sherloc (09022015). Collection method: clinical testing. Allele origin: germline.
Comment: This sequence change replaces aspartic acid, which is acidic and polar, with glycine, which is neutral and non-polar, at codon 75 of the IFNGR1 protein (p.Asp75Gly). This variant is present in population databases (rs770076728, gnomAD 0.0009%). This variant has not been reported in the literature in individuals affected with IFNGR1-related conditions. Invitae Evidence Modeling of protein sequence and biophysical properties (such as structural, functional, and spatial information, amino acid conservation, physicochemical variation, residue mobility, and thermodynamic stability) indicates that this missense variant is not expected to disrupt IFNGR1 protein function with a negative predictive value of 80%. In summary, the available evidence is currently insufficient to determine the role of this variant in disease. Therefore, it has been classified as a Variant of Uncertain Significance.